The following is an entry in ClinVar:

NM_000038.6(APC):c.1693G>A (p.Glu565Lys)

Gene: APC (APC regulator of Wnt signaling pathway; plus strand). Cytogenetic location: 5q22.2.
Variant type: single nucleotide variant.
Coding change: c.1693G>A on transcript NM_000038.6 (MANE Select); coding-DNA position 1693, G replaced by A.
Protein change: p.Glu565Lys; replaces glutamic acid 565 with lysine.
Molecular consequence: missense variant.
Genome position (GRCh38, 1-based): chr5:112,828,922, G>A. VCF-style: chr5-112828922-G-A. GRCh37 (hg19) VCF-style: chr5-112164619-G-A.
Other names: c.1693G>A, p.Glu565Lys (NM_001127510.3, NM_001354895.2); c.1639G>A, p.Glu547Lys (NM_001127511.3); c.1747G>A, p.Glu583Lys (NM_001354896.2); c.1723G>A, p.Glu575Lys (NM_001354897.2); c.1618G>A, p.Glu540Lys (NM_001354898.2); c.1609G>A, p.Glu537Lys (NM_001354899.2); c.1570G>A, p.Glu524Lys (NM_001354900.2); c.1516G>A, p.Glu506Lys (NM_001354901.2); and 5 more; short protein forms E405K, E506K, E540K, E547K, E464K, E537K, E282K, E439K.
Identifiers: ClinVar variation 965753 (VCV000965753.14), dbSNP rs890665991, ClinGen allele CA16025005.
Genomic context (GRCh38, chr5:112,828,922, plus strand): 5'-GCGAGTGTTTTGAGGAATTTGTCTTGGCGAGCAGATGTAAATAGTAAAAAGACGTTGCGA[G>A]AAGTTGGAAGTGTGAAAGCATTGATGGAATGTGCTTTAGAAGTTAAAAAGGTACCTTTGA-3'
Protein context (NP_000029.2, residues 555-575): ADVNSKKTLR[Glu565Lys]VGSVKALMEC

ClinVar aggregate classification (germline): Uncertain significance. Review status: criteria provided, multiple submitters, no conflicts (2 of 4 stars). 3 submissions from 3 submitters: Uncertain significance (3). Last evaluated 2026-03-01.

Conditions:
Familial adenomatous polyposis 1 (FAP1). Also called: POLYPOSIS, ADENOMATOUS INTESTINAL; FAMILIAL ADENOMATOUS POLYPOSIS 1, ATTENUATED. Identifiers: MedGen C2713442, MONDO:0021056, OMIM 175100. Disease mechanism: loss of function.
Hereditary cancer-predisposing syndrome. Also called: Neoplastic Syndromes, Hereditary; Tumor predisposition; Hereditary neoplastic syndrome; Hereditary Cancer Syndrome. Identifiers: Orphanet 140162, MedGen C0027672, MeSH D009386, MONDO:0015356.

Allele frequency attached by ClinVar (database versions not stated): gnomAD exomes 0.00001.
gnomAD v4.1: 9 of 1,613,968 alleles (0.00056%); highest among the groups gnomAD compares: Non-Finnish European, 0.00068%; no homozygotes.

Submissions (3):

GeneDx
Classification: Uncertain significance. Last evaluated: 2026-03-01. Review status: criteria provided, single submitter. Criteria: GeneDx Variant Classification Process June 2021. Collection method: clinical testing. Allele origin: germline.
Comment: Not observed at significant frequency in large population cohorts (gnomAD); In silico analysis supports that this missense variant has a deleterious effect on protein structure/function; Has not been previously published as pathogenic or benign to our knowledge; This variant is associated with the following publications: (PMID: 18199528)

Labcorp Genetics (formerly Invitae), Labcorp
Classification: Uncertain significance for Familial adenomatous polyposis 1. Last evaluated: 2025-02-19. Review status: criteria provided, single submitter. Criteria: Invitae Variant Classification Sherloc (09022015). Collection method: clinical testing. Allele origin: germline.
Comment: This sequence change replaces glutamic acid, which is acidic and polar, with lysine, which is basic and polar, at codon 565 of the APC protein (p.Glu565Lys). This variant is not present in population databases (gnomAD no frequency). This variant has not been reported in the literature in individuals affected with APC-related conditions. ClinVar contains an entry for this variant (Variation ID: 965753). Invitae Evidence Modeling of protein sequence and biophysical properties (such as structural, functional, and spatial information, amino acid conservation, physicochemical variation, residue mobility, and thermodynamic stability) indicates that this missense variant is not expected to disrupt APC protein function with a negative predictive value of 95%. In summary, the available evidence is currently insufficient to determine the role of this variant in disease. Therefore, it has been classified as a Variant of Uncertain Significance.

Ambry Genetics
Classification: Uncertain significance for Hereditary cancer-predisposing syndrome. Last evaluated: 2021-02-23. Review status: criteria provided, single submitter. Criteria: Ambry Variant Classification Scheme 2023. Collection method: clinical testing. Allele origin: germline.
Comment: The p.E565K variant (also known as c.1693G>A), located in coding exon 13 of the APC gene, results from a G to A substitution at nucleotide position 1693. The glutamic acid at codon 565 is replaced by lysine, an amino acid with similar properties. This amino acid position is highly conserved in available vertebrate species. In addition, in silico predictors for this gene do not accurately predict pathogenicity. Since supporting evidence is limited at this time, the clinical significance of this alteration remains unclear.